The following is an entry in ClinVar:

ClinVar aggregate classification (germline): Likely benign (0 of 4 stars; one submission).

Conditions:
SCARB1-related disorder. Also called: SCARB1-related condition.

Allele frequency attached by ClinVar (database versions not stated): TOPMed 0.00003; gnomAD 0.00005; ExAC 0.00016; 1000 Genomes Project 0.00020; 1000 Genomes Project 30x 0.00031.
gnomAD v4.1: 79 of 1,397,636 alleles (0.0057%); highest among the groups gnomAD compares: South Asian, 0.026%; no homozygotes.

Submission:

PreventionGenetics, part of Exact Sciences
Classification: Likely benign for SCARB1-related condition. Last evaluated: 2019-03-06. Review status: no assertion criteria provided. Collection method: clinical testing. Allele origin: germline.
Comment: This variant is classified as likely benign based on ACMG/AMP sequence variant interpretation guidelines (Richards et al. 2015 PMID: 25741868, with internal and published modifications).

NM_005505.5(SCARB1):c.*15C>T

Gene: SCARB1 (scavenger receptor class B member 1; minus strand). Cytogenetic location: 12q24.31.
Variant type: single nucleotide variant.
Coding change: c.*15C>T on transcript NM_005505.5 (MANE Select); 15 bases downstream of the stop codon, C replaced by T.
Molecular consequence: 3 prime UTR variant. On other transcripts: synonymous variant (2), non-coding transcript variant (9).
Genome position (GRCh38, 1-based): chr12:124,778,572, G>A on the plus strand (C>T on the coding strand, the complement: SCARB1 is on the minus strand). VCF-style: chr12-124778572-G-A. GRCh37 (hg19) VCF-style: chr12-125263118-G-A.
Other names: c.1416C>T, p.Thr472= (NM_001082959.2); c.*7C>T (NM_001367981.1); c.*15C>T (NM_001367983.1, NM_001367984.1, NM_001367985.1 and 2 more transcripts); c.1218C>T, p.Thr406= (NM_001367987.1); c.*26C>T (NM_001367989.1).
Identifiers: ClinVar variation 3045145 (VCV003045145.2), dbSNP rs568188228, ClinGen allele CA6870122.